The following is an entry in ClinVar:

NM_001110556.2(FLNA):c.4834G>C (p.Val1612Leu)

Gene: FLNA (filamin A; minus strand). Cytogenetic location: Xq28.
Variant type: single nucleotide variant.
Coding change: c.4834G>C on transcript NM_001110556.2 (MANE Select); coding-DNA position 4834, G replaced by C.
Protein change: p.Val1612Leu; replaces valine 1612 with leucine.
Molecular consequence: missense variant.
Genome position (GRCh38, 1-based): chrX:154,357,545, C>G on the plus strand (G>C on the coding strand, the complement: FLNA is on the minus strand). VCF-style: chrX-154357545-C-G. GRCh37 (hg19) VCF-style: chrX-153585913-C-G.
Other names: c.4834G>C, p.Val1612Leu (NM_001456.4); short protein forms V1612L.
Identifiers: ClinVar variation 641619 (VCV000641619.11), dbSNP rs782082407, ClinGen allele CA415214088.

ClinVar aggregate classification (germline): Conflicting classifications of pathogenicity. Review status: criteria provided, conflicting classifications (1 of 4 stars). 2 submissions from 2 submitters: Uncertain significance (1); Likely benign (1). Last evaluated 2026-04-08.

Conditions:
Heterotopia, periventricular, X-linked dominant (PVNH1). Also called: PERIVENTRICULAR NODULAR HETEROTOPIA 1; HETEROTOPIA, PERIVENTRICULAR, 1; PERIVENTRICULAR NODULAR HETEROTOPIA 4; X-linked periventricular heterotopia. Identifiers: Orphanet 2149, Orphanet 82004, MedGen C1848213, MONDO:0010233, OMIM 300049.
Melnick-Needles syndrome (MNS). Also called: MELNICK-NEEDLES OSTEODYSPLASTY; OSTEODYSPLASTY OF MELNICK AND NEEDLES; Melnick-Needles Syndrome (FLNA-MNS). Identifiers: Orphanet 2484, MedGen C0025237, MONDO:0010650, OMIM 309350.
Oto-palato-digital syndrome, type II (OPD2). Also called: OPD II SYNDROME; FACIOPALATOOSSEOUS SYNDROME; Otopalatodigital Syndrome Type 2 (FLNA-OPD2); Otopalatodigital Syndrome, Type II. Identifiers: Orphanet 669, Orphanet 90652, MedGen C1844696, MONDO:0010571, OMIM 304120.
Frontometaphyseal dysplasia (FMD1). Identifiers: Orphanet 1826, MedGen C0265293, MONDO:0015942.
Familial thoracic aortic aneurysm and aortic dissection (TAAD). Also called: Thoracic aortic aneurysms and dissections. Identifiers: Orphanet 91387, MedGen C4707243, MONDO:0019625.

Submissions (2):

Ambry Genetics
Classification: Likely benign for Familial thoracic aortic aneurysm and aortic dissection. Last evaluated: 2026-04-08. Review status: criteria provided, single submitter. Criteria: Ambry Variant Classification Scheme 2023. Collection method: clinical testing. Allele origin: germline.

Labcorp Genetics (formerly Invitae), Labcorp
Classification: Uncertain significance for Oto-palato-digital syndrome, type II; Heterotopia, periventricular, X-linked dominant; Frontometaphyseal dysplasia; Melnick-Needles syndrome. Last evaluated: 2024-03-24. Review status: criteria provided, single submitter. Criteria: Invitae Variant Classification Sherloc (09022015). Collection method: clinical testing. Allele origin: germline.
Comment: This sequence change replaces valine, which is neutral and non-polar, with leucine, which is neutral and non-polar, at codon 1612 of the FLNA protein (p.Val1612Leu). This variant is present in population databases (no rsID available, gnomAD 0.004%). This variant has not been reported in the literature in individuals affected with FLNA-related conditions. ClinVar contains an entry for this variant (Variation ID: 641619). Advanced modeling of protein sequence and biophysical properties (such as structural, functional, and spatial information, amino acid conservation, physicochemical variation, residue mobility, and thermodynamic stability) performed at Invitae indicates that this missense variant is not expected to disrupt FLNA protein function with a negative predictive value of 95%. In summary, the available evidence is currently insufficient to determine the role of this variant in disease. Therefore, it has been classified as a Variant of Uncertain Significance.